The following is an entry in ClinVar:

ClinVar aggregate classification (germline): Uncertain significance. Review status: criteria provided, multiple submitters, no conflicts (2 of 4 stars). 2 submissions from 2 submitters: Uncertain significance (2). Last evaluated 2024-10-08.

Conditions:
Inborn genetic diseases. Identifiers: MedGen C0950123, MeSH D030342.

Submissions (2):

Ambry Genetics
Classification: Uncertain significance for Inborn genetic diseases. Last evaluated: 2024-10-08. Review status: criteria provided, single submitter. Criteria: Ambry Variant Classification Scheme 2023. Collection method: clinical testing. Allele origin: germline.

GeneDx
Classification: Uncertain significance. Last evaluated: 2024-03-11. Review status: criteria provided, single submitter. Criteria: GeneDx Variant Classification Process June 2021. Collection method: clinical testing. Allele origin: germline. Affected: yes.
Comment: Not observed at significant frequency in large population cohorts (gnomAD); In silico analysis supports that this missense variant has a deleterious effect on protein structure/function; Has not been previously published as pathogenic or benign to our knowledge

NM_021728.4(OTX2):c.304C>T (p.Arg102Cys)

Gene: OTX2 (orthodenticle homeobox 2; minus strand). Cytogenetic location: 14q22.3.
Variant type: single nucleotide variant.
Coding change: c.304C>T on transcript NM_021728.4 (MANE Select); coding-DNA position 304, C replaced by T.
Protein change: p.Arg102Cys; replaces arginine 102 with cysteine.
Molecular consequence: missense variant. On other transcripts: non-coding transcript variant (2).
Genome position (GRCh38, 1-based): chr14:56,802,325, G>A on the plus strand (C>T on the coding strand, the complement: OTX2 is on the minus strand). VCF-style: chr14-56802325-G-A. GRCh37 (hg19) VCF-style: chr14-57269043-G-A.
Other names: c.280C>T, p.Arg94Cys (NM_001270523.2, NM_001270524.2, NM_172337.3); c.304C>T, p.Arg102Cys (NM_001270525.2); c.280C>T (NM_172337.1); short protein forms R102C, R94C.
Identifiers: ClinVar variation 3373591 (VCV003373591.2).